The following is an entry in ClinVar:

NM_001042492.3(NF1):c.6922-2A>G

Gene: NF1 (neurofibromin 1; plus strand). Cytogenetic location: 17q11.2.
Variant type: single nucleotide variant.
Coding change: c.6922-2A>G on transcript NM_001042492.3 (MANE Select); the canonical splice acceptor site of the intron before coding-DNA position 6922, A replaced by G.
Molecular consequence: splice acceptor variant.
Genome position (GRCh38, 1-based): chr17:31,340,503, A>G. VCF-style: chr17-31340503-A-G. GRCh37 (hg19) VCF-style: chr17-29667521-A-G.
Other names: c.6859-2A>G (NM_000267.4).
Identifiers: ClinVar variation 220397 (VCV000220397.9), dbSNP rs864622509, ClinGen allele CA350053.

ClinVar aggregate classification (germline): Pathogenic/Likely pathogenic. Review status: criteria provided, multiple submitters, no conflicts (2 of 4 stars). 2 submissions from 2 submitters: Pathogenic (1); Likely pathogenic (1). Last evaluated 2024-05-29.

Conditions:
Neurofibromatosis, type 1 (NF1). Also called: Peripheral type neurofibromatosis; NEUROFIBROMATOSIS, TYPE I, SOMATIC; Neurofibromatosis, type I; VON RECKLINGHAUSEN DISEASE. Identifiers: Orphanet 636, MedGen C0027831, MONDO:0018975, OMIM 162200. Disease mechanism: loss of function.

Submissions (2):

GeneDx
Classification: Likely pathogenic. Last evaluated: 2024-05-29. Review status: criteria provided, single submitter. Criteria: GeneDx Variant Classification Process June 2021. Collection method: clinical testing. Allele origin: germline. Affected: yes.
Comment: Canonical splice site variant predicted to result in an in-frame loss of the adjacent exon in a gene for which loss of function is a known mechanism of disease; Not observed at significant frequency in large population cohorts (gnomAD); Deletions involving coding exons of this gene are a known mechanism of disease (HGMD; other references); Has not been previously published as pathogenic or benign to our knowledge; This variant is associated with the following publications: (PMID: 31589614, 25486365)

Labcorp Genetics (formerly Invitae), Labcorp
Classification: Pathogenic for Neurofibromatosis, type 1. Last evaluated: 2022-11-15. Review status: criteria provided, single submitter. Criteria: Invitae Variant Classification Sherloc (09022015). Collection method: clinical testing. Allele origin: germline.
Comment: This sequence change affects an acceptor splice site in intron 45 of the NF1 gene. It is expected to disrupt RNA splicing. Variants that disrupt the donor or acceptor splice site typically lead to a loss of protein function (PMID: 16199547), and loss-of-function variants in NF1 are known to be pathogenic (PMID: 10712197, 23913538). This variant is not present in population databases (gnomAD no frequency). Disruption of this splice site has been observed in individual(s) with clinical features of neurofibromatosis, type 1 (Invitae). ClinVar contains an entry for this variant (Variation ID: 220397). Algorithms developed to predict the effect of sequence changes on RNA splicing suggest that this variant may disrupt the consensus splice site. For these reasons, this variant has been classified as Pathogenic.

Literature cited by the submitters: PubMed 16199547 (cited by Labcorp Genetics (formerly Invitae), Labcorp); PubMed 10712197 (cited by Labcorp Genetics (formerly Invitae), Labcorp); PubMed 23913538 (cited by Labcorp Genetics (formerly Invitae), Labcorp).